The following is an entry in ClinVar:

NM_022765.4(MICAL1):c.2501C>T (p.Pro834Leu)

Gene: MICAL1 (microtubule associated monooxygenase, calponin and LIM domain containing 1; minus strand). Cytogenetic location: 6q21.
Variant type: single nucleotide variant.
Coding change: c.2501C>T on transcript NM_022765.4 (MANE Select); coding-DNA position 2501, C replaced by T.
Protein change: p.Pro834Leu; replaces proline 834 with leucine.
Molecular consequence: missense variant.
Genome position (GRCh38, 1-based): chr6:109,446,216, G>A on the plus strand (C>T on the coding strand, the complement: MICAL1 is on the minus strand). VCF-style: chr6-109446216-G-A. GRCh37 (hg19) VCF-style: chr6-109767419-G-A.
Other names: c.2243C>T, p.Pro748Leu (NM_001159291.2); c.2558C>T, p.Pro853Leu (NM_001286613.2); short protein forms P748L, P834L, P853L.
Identifiers: ClinVar variation 2109851 (VCV002109851.4), dbSNP rs2482774407, ClinGen allele CA365223328.

ClinVar aggregate classification (germline): Uncertain significance (1 of 4 stars; one submission).

Submission:

Labcorp Genetics (formerly Invitae), Labcorp
Classification: Uncertain significance. Last evaluated: 2022-03-12. Review status: criteria provided, single submitter. Criteria: Invitae Variant Classification Sherloc (09022015). Collection method: clinical testing. Allele origin: germline.
Comment: This sequence change replaces proline, which is neutral and non-polar, with leucine, which is neutral and non-polar, at codon 853 of the MICAL1 protein (p.Pro853Leu). In summary, the available evidence is currently insufficient to determine the role of this variant in disease. Therefore, it has been classified as a Variant of Uncertain Significance. Algorithms developed to predict the effect of missense changes on protein structure and function are either unavailable or do not agree on the potential impact of this missense change (SIFT: "Deleterious"; PolyPhen-2: "Probably Damaging"; Align-GVGD: "Class C0"). This variant has not been reported in the literature in individuals affected with MICAL1-related conditions. This variant is not present in population databases (gnomAD no frequency).